The following is an entry in ClinVar:

NM_182961.4(SYNE1):c.7988G>A (p.Arg2663Gln)

Gene: SYNE1 (spectrin repeat containing nuclear envelope protein 1; minus strand). Cytogenetic location: 6q25.2.
Variant type: single nucleotide variant.
Coding change: c.7988G>A on transcript NM_182961.4 (MANE Select); coding-DNA position 7988, G replaced by A.
Protein change: p.Arg2663Gln; replaces arginine 2663 with glutamine.
Molecular consequence: missense variant.
Genome position (GRCh38, 1-based): chr6:152,391,293, C>T on the plus strand (G>A on the coding strand, the complement: SYNE1 is on the minus strand). VCF-style: chr6-152391293-C-T. GRCh37 (hg19) VCF-style: chr6-152712428-C-T.
Other names: p.Arg2670Gln; c.8009G>A (NM_033071.3); c.8009G>A, p.Arg2670Gln (NM_033071.5); short protein forms R2663Q, R2670Q.
Identifiers: ClinVar variation 1024846 (VCV001024846.7), dbSNP rs370644295, ClinGen allele CA4057660.
Genomic context (GRCh38, chr6:152,391,293, plus strand): 5'-TTAGCATTCAGCAGTTGTCAGTGTCTGGCTGGTGTCGCATGTACCTGTATTTGTGACAGC[C>T]GTTTCTCCAGGGTGTCTTTGCTCCCAAGAGTGCTCTCTGCACAGGCCAGTCTGTCCTGAA-3'
Protein context (NP_892006.3, residues 2653-2673): TLGSKDTLEK[Arg2663Gln]LSQIQDILLM

ClinVar aggregate classification (germline): Uncertain significance. Review status: criteria provided, multiple submitters, no conflicts (2 of 4 stars). 2 submissions from 2 submitters: Uncertain significance (2). Last evaluated 2023-12-29.

Conditions:
Autosomal recessive ataxia, Beauce type. Also called: ATAXIA, RECESSIVE, OF BEAUCE; Spinocerebellar ataxia, autosomal recessive 8; SYNE1-Related Autosomal Recessive Cerebellar Ataxia; SYNE1 Deficiency. Identifiers: Orphanet 88644, MedGen C1853116, MONDO:0012549, OMIM 610743.
Emery-Dreifuss muscular dystrophy 4, autosomal dominant (EDMD4). Also called: EMERY-DREIFUSS MUSCULAR DYSTROPHY 4 WITH VARIABLE FEATURES. Identifiers: Orphanet 261, MedGen C2751807, MONDO:0013071, OMIM 612998.

Allele frequency attached by ClinVar (database versions not stated): TOPMed 0.00001.
gnomAD v4.1: 7 of 1,613,980 alleles (0.00043%); highest among the groups gnomAD compares: African/African-American, 0.0013%; no homozygotes.

Submissions (2):

Mayo Clinic Laboratories, Mayo Clinic
Classification: Uncertain significance. Last evaluated: 2023-12-29. Review status: criteria provided, single submitter. Criteria: ACMG Guidelines, 2015. Collection method: clinical testing. Allele origin: germline. Observed: 1 variant allele.
Comment: BP4

Labcorp Genetics (formerly Invitae), Labcorp
Classification: Uncertain significance for Emery-Dreifuss muscular dystrophy 4, autosomal dominant; Autosomal recessive ataxia, Beauce type. Last evaluated: 2021-08-30. Review status: criteria provided, single submitter. Criteria: Invitae Variant Classification Sherloc (09022015). Collection method: clinical testing. Allele origin: germline.
Comment: This sequence change replaces arginine with glutamine at codon 2670 of the SYNE1 protein (p.Arg2670Gln). The arginine residue is highly conserved and there is a small physicochemical difference between arginine and glutamine. This variant is present in population databases (rs370644295, ExAC 0.004%). This variant has not been reported in the literature in individuals affected with SYNE1-related conditions. Algorithms developed to predict the effect of missense changes on protein structure and function output the following: SIFT: "Deleterious"; PolyPhen-2: "Benign"; Align-GVGD: "Class C35". The glutamine amino acid residue is found in multiple mammalian species, which suggests that this missense change does not adversely affect protein function. In summary, the available evidence is currently insufficient to determine the role of this variant in disease. Therefore, it has been classified as a Variant of Uncertain Significance.